The following is an entry in ClinVar:

ClinVar aggregate classification (germline): Uncertain significance (1 of 4 stars; one submission).

Submission:

GeneDx
Classification: Uncertain significance. Last evaluated: 2025-08-15. Review status: criteria provided, single submitter. Criteria: GeneDx Variant Classification Process June 2021. Collection method: clinical testing. Allele origin: germline. Affected: yes.
Comment: Not observed at significant frequency in large population cohorts (gnomAD); In silico analysis suggests that this missense variant does not alter protein structure/function; Has not been previously published as pathogenic or benign to our knowledge

NM_139058.3(ARX):c.557C>A (p.Pro186Gln)

Gene: ARX (aristaless related homeobox; minus strand). Cytogenetic location: Xp21.3.
Variant type: single nucleotide variant.
Coding change: c.557C>A on transcript NM_139058.3 (MANE Select); coding-DNA position 557, C replaced by A.
Protein change: p.Pro186Gln; replaces proline 186 with glutamine.
Molecular consequence: missense variant.
Genome position (GRCh38, 1-based): chrX:25,013,438, G>T on the plus strand (C>A on the coding strand, the complement: ARX is on the minus strand). VCF-style: chrX-25013438-G-T. GRCh37 (hg19) VCF-style: chrX-25031555-G-T.
Other names: short protein forms P186Q.
Identifiers: ClinVar variation 387160 (VCV000387160.3), dbSNP rs1057522709, ClinGen allele CA16609171.